The following is an entry in ClinVar:

NM_032607.3(CREB3L3):c.59T>A (p.Ile20Asn)

Gene: CREB3L3 (cAMP responsive element binding protein 3 like 3; plus strand). Cytogenetic location: 19p13.3.
Variant type: single nucleotide variant.
Coding change: c.59T>A on transcript NM_032607.3 (MANE Select); coding-DNA position 59, T replaced by A.
Protein change: p.Ile20Asn; replaces isoleucine 20 with asparagine.
Molecular consequence: missense variant.
Genome position (GRCh38, 1-based): chr19:4,154,930, T>A. VCF-style: chr19-4154930-T-A. GRCh37 (hg19) VCF-style: chr19-4154927-T-A.
Other names: c.59T>A, p.Ile20Asn (NM_001271995.2, NM_001271996.2, NM_001271997.2); short protein forms I20N.
Identifiers: ClinVar variation 4705303 (VCV004705303.1).

ClinVar aggregate classification (germline): Uncertain significance (1 of 4 stars; one submission).

gnomAD v4.1: 9 of 1,613,740 alleles (0.00056%); highest among the groups gnomAD compares: African/African-American, 0.012%; no homozygotes.

Submission:

Labcorp Genetics (formerly Invitae), Labcorp
Classification: Uncertain significance. Last evaluated: 2025-02-25. Review status: criteria provided, single submitter. Criteria: Invitae Variant Classification Sherloc (09022015). Collection method: clinical testing. Allele origin: germline.
Comment: This sequence change replaces isoleucine, which is neutral and non-polar, with asparagine, which is neutral and polar, at codon 20 of the CREB3L3 protein (p.Ile20Asn). This variant is present in population databases (rs375481004, gnomAD 0.03%). This variant has not been reported in the literature in individuals affected with CREB3L3-related conditions. An algorithm developed to predict the effect of missense changes on protein structure and function (PolyPhen-2) suggests that this variant is likely to be tolerated. In summary, the available evidence is currently insufficient to determine the role of this variant in disease. Therefore, it has been classified as a Variant of Uncertain Significance.